The following is an entry in ClinVar:

ClinVar aggregate classification (germline): Benign. Review status: criteria provided, single submitter (1 of 4 stars). 2 submissions from 2 submitters: Benign (1). 1 of the submissions does not count toward it. Last evaluated 2024-02-01.

Conditions:
ATP8B1-related disorder. Also called: ATP8B1-related disorders; ATP8B1-related condition.

Allele frequency attached by ClinVar (database versions not stated): gnomAD 0.00001; TOPMed 0.00002; ExAC 0.00016.
gnomAD v4.1: 51 of 1,561,902 alleles (0.0033%); highest among the groups gnomAD compares: South Asian, 0.057%; 2 homozygotes.

Submissions (2):

Labcorp Genetics (formerly Invitae), Labcorp
Classification: Benign. Last evaluated: 2024-02-01. Review status: criteria provided, single submitter. Criteria: Invitae Variant Classification Sherloc (09022015). Collection method: clinical testing. Allele origin: germline.

PreventionGenetics, part of Exact Sciences
Classification: Likely benign for ATP8B1-related condition. Last evaluated: 2021-10-26. Review status: no assertion criteria provided. Collection method: clinical testing. Allele origin: germline. Not counted in ClinVar's aggregate classification.
Comment: This variant is classified as likely benign based on ACMG/AMP sequence variant interpretation guidelines (Richards et al. 2015 PMID: 25741868, with internal and published modifications).

NM_001374385.1(ATP8B1):c.3561G>A (p.Ala1187=)

Genes: ATP8B1 (ATPase phospholipid transporting 8B1; minus strand), ATP8B1-AS1 (ATP8B1 antisense RNA 1; plus strand). Cytogenetic location: 18q21.31.
Variant type: single nucleotide variant.
Coding change: c.3561G>A on transcript NM_001374385.1 (MANE Select); coding-DNA position 3561, G replaced by A.
Protein change: p.Ala1187=; no amino-acid change (alanine 1187 retained).
Molecular consequence: synonymous variant.
Genome position (GRCh38, 1-based): chr18:57,648,683, C>T on the plus strand (G>A on the coding strand, the complement: ATP8B1 is on the minus strand). VCF-style: chr18-57648683-C-T. GRCh37 (hg19) VCF-style: chr18-55315915-C-T.
Other names: c.3561G>A (NM_005603.4); c.3411G>A, p.Ala1137= (NM_001374386.1); c.3561G>A, p.Ala1187= (NM_005603.6).
Identifiers: ClinVar variation 3013602 (VCV003013602.5), dbSNP rs777519002, ClinGen allele CA8973971.
Genomic context (GRCh38, chr18:57,648,683, plus strand): 5'-CGAGCGCCGCGTTGACACGCCCCGGCGGAACACCTGCTGCCGTCGCTGCCACTGCTCCTC[C>T]GCCTTCAACCGCTTGCGATGCTTCTGGATCTGCAAGGGGGAGAGATGGGGAGGGATGAAA-3'
Protein context (NP_001361314.1, residues 1177-1197): KIQKHRKRLK[Ala1187=]EEQWQRRQQV